The following is an entry in ClinVar:

ClinVar aggregate classification (germline): Uncertain significance. Review status: criteria provided, multiple submitters, no conflicts (2 of 4 stars). 4 submissions from 4 submitters: Uncertain significance (4). Last evaluated 2025-11-26.

Conditions:
Inborn genetic diseases. Identifiers: MedGen C0950123, MeSH D030342.
Kufor-Rakeb syndrome (KRS). Also called: PARKINSON DISEASE 9, AUTOSOMAL RECESSIVE, JUVENILE-ONSET. Identifiers: Orphanet 306674, Orphanet 314632, MedGen C1847640, MONDO:0011706, OMIM 606693.
Autosomal recessive spastic paraplegia type 78. Identifiers: Orphanet 513436, MedGen C5567893, MONDO:0014975, OMIM 617225.

Allele frequency attached by ClinVar (database versions not stated): TOPMed 0.00001; gnomAD 0.00004 and 0.00005.
gnomAD v4.1: 14 of 1,614,170 alleles (0.00087%); highest among the groups gnomAD compares: Admixed American, 0.012%; no homozygotes.

Submissions (4):

Labcorp Genetics (formerly Invitae), Labcorp
Classification: Uncertain significance for Kufor-Rakeb syndrome; Autosomal recessive spastic paraplegia type 78. Last evaluated: 2025-11-26. Review status: criteria provided, single submitter. Criteria: Invitae Variant Classification Sherloc (09022015). Collection method: clinical testing. Allele origin: germline.
Comment: This sequence change affects codon 804 of the ATP13A2 mRNA. It is a 'silent' change, meaning that it does not change the encoded amino acid sequence of the ATP13A2 protein. This variant also falls at the last nucleotide of exon 21, which is part of the consensus splice site for this exon. This variant is not present in population databases (gnomAD no frequency). This variant has not been reported in the literature in individuals affected with ATP13A2-related conditions. ClinVar contains an entry for this variant (Variation ID: 465260). Variants that disrupt the consensus splice site are a relatively common cause of aberrant splicing (PMID: 17576681, 9536098). Algorithms developed to predict the effect of sequence changes on RNA splicing suggest that this variant may disrupt the consensus splice site. In summary, the available evidence is currently insufficient to determine the role of this variant in disease. Therefore, it has been classified as a Variant of Uncertain Significance.

Blueprint Genetics
Classification: Uncertain significance. Last evaluated: 2024-10-23. Review status: criteria provided, single submitter. Criteria: ACMG Guidelines, 2015. Collection method: clinical testing. Allele origin: germline.

Fulgent Genetics
Classification: Uncertain significance for Kufor-Rakeb syndrome; Autosomal recessive spastic paraplegia type 78. Last evaluated: 2024-06-06. Review status: criteria provided, single submitter. Criteria: ACMG Guidelines, 2015. Collection method: clinical testing. Allele origin: germline.

Ambry Genetics
Classification: Uncertain significance for Inborn genetic diseases. Last evaluated: 2019-08-22. Review status: criteria provided, single submitter. Criteria: Ambry Variant Classification Scheme 2023. Collection method: clinical testing. Allele origin: germline.
Comment: The c.2412G>A variant (also known as p.K804K), located in coding exon 21 of the ATP13A2 gene, results from a G to A substitution at nucleotide position 2412. This nucleotide substitution does not change the at codon 804. However, this change occurs in the last base pair of coding exon 21, which makes it likely to have some effect on normal mRNA splicing. This nucleotide position is highly conserved in available vertebrate species. Using the BDGP and ESEfinder splice site prediction tools, this alteration is predicted to weaken the efficiency of the native splice donor site; however, direct evidence is unavailable. Since supporting evidence is limited at this time, the clinical significance of this alteration remains unclear.

Literature cited by the submitters: PubMed 17576681 (cited by Labcorp Genetics (formerly Invitae), Labcorp); PubMed 9536098 (cited by Labcorp Genetics (formerly Invitae), Labcorp).

NM_022089.4(ATP13A2):c.2412G>A (p.Lys804=)

Gene: ATP13A2 (ATPase cation transporting 13A2; minus strand). Cytogenetic location: 1p36.13.
Variant type: single nucleotide variant.
Coding change: c.2412G>A on transcript NM_022089.4 (MANE Select); coding-DNA position 2412, G replaced by A.
Protein change: p.Lys804=; no amino-acid change (lysine 804 retained).
Molecular consequence: synonymous variant.
Genome position (GRCh38, 1-based): chr1:16,990,127, C>T on the plus strand (G>A on the coding strand, the complement: ATP13A2 is on the minus strand). VCF-style: chr1-16990127-C-T. GRCh37 (hg19) VCF-style: chr1-17316622-C-T.
Other names: c.2397G>A, p.Lys799= (NM_001141973.3, NM_001141974.3).
Identifiers: ClinVar variation 465260 (VCV000465260.10), dbSNP rs978493820, ClinGen allele CA18629372.